The following is an entry in ClinVar:

ClinVar aggregate classification (germline): Pathogenic. Review status: criteria provided, multiple submitters, no conflicts (2 of 4 stars). 2 submissions from 2 submitters: Pathogenic (2). Last evaluated 2023-08-01.

Allele frequency attached by ClinVar (database versions not stated): gnomAD exomes below 0.00001; ExAC 0.00001.
gnomAD v4.1: 1 of 1,614,100 alleles (0.000062%); highest among the groups gnomAD compares: Non-Finnish European, 0.000085%; no homozygotes.

Submissions (2):

Mayo Clinic Laboratories, Mayo Clinic
Classification: Pathogenic. Last evaluated: 2023-08-01. Review status: criteria provided, single submitter. Criteria: ACMG Guidelines, 2015. Collection method: clinical testing. Allele origin: germline. Observed: 1 variant allele.
Comment: PP4, PM2_moderate, PVS1

Labcorp Genetics (formerly Invitae), Labcorp
Classification: Pathogenic. Last evaluated: 2023-05-20. Review status: criteria provided, single submitter. Criteria: Invitae Variant Classification Sherloc (09022015). Collection method: clinical testing. Allele origin: germline.
Comment: For these reasons, this variant has been classified as Pathogenic. ClinVar contains an entry for this variant (Variation ID: 1457796). This premature translational stop signal has been observed in individual(s) with variegate porphyria (PMID: 9540990). This variant is present in population databases (rs774663053, gnomAD 0.0009%). This sequence change creates a premature translational stop signal (p.Glu133*) in the PPOX gene. It is expected to result in an absent or disrupted protein product. Loss-of-function variants in PPOX are known to be pathogenic (PMID: 10486317).

Literature cited by the submitters: PubMed 25525159 (cited by Mayo Clinic Laboratories, Mayo Clinic); PubMed 36178265 (cited by Mayo Clinic Laboratories, Mayo Clinic); PubMed 9540990 (cited by Mayo Clinic Laboratories, Mayo Clinic and Labcorp Genetics (formerly Invitae), Labcorp); PubMed 10486317 (cited by Labcorp Genetics (formerly Invitae), Labcorp).

NM_001122764.3(PPOX):c.397G>T (p.Glu133Ter)

Gene: PPOX (protoporphyrinogen oxidase; plus strand). Cytogenetic location: 1q23.3.
Variant type: single nucleotide variant.
Coding change: c.397G>T on transcript NM_001122764.3 (MANE Select); coding-DNA position 397, G replaced by T.
Protein change: p.Glu133Ter; replaces glutamic acid 133 with a stop codon.
Molecular consequence: nonsense. On other transcripts: 5 prime UTR variant (4), intron variant (2).
Genome position (GRCh38, 1-based): chr1:161,168,053, G>T. VCF-style: chr1-161168053-G-T. GRCh37 (hg19) VCF-style: chr1-161137843-G-T.
Other names: p.Glu133*; c.397G>T, p.Glu133Ter (NM_000309.5, NM_001365398.1, NM_001365399.1); c.-31G>T (NM_001350129.2, NM_001365400.1); c.-90G>T (NM_001350130.2, NM_001365401.1); c.354-360G>T (NM_001350128.2); c.-34-360G>T (NM_001350131.2); short protein forms E133*.
Identifiers: ClinVar variation 1457796 (VCV001457796.7), dbSNP rs774663053, ClinGen allele CA1207137.